The following is an entry in ClinVar:

ClinVar aggregate classification (germline): Uncertain significance (1 of 4 stars; one submission).

gnomAD v4.1: 3 of 1,614,086 alleles (0.00019%); highest among the groups gnomAD compares: Non-Finnish European, 0.00017%; no homozygotes.

Submission:

Labcorp Genetics (formerly Invitae), Labcorp
Classification: Uncertain significance. Last evaluated: 2021-12-01. Review status: criteria provided, single submitter. Criteria: Invitae Variant Classification Sherloc (09022015). Collection method: clinical testing. Allele origin: germline.
Comment: This sequence change replaces arginine, which is basic and polar, with glycine, which is neutral and non-polar, at codon 125 of the CNNM4 protein (p.Arg125Gly). This variant is not present in population databases (gnomAD no frequency). This variant has not been reported in the literature in individuals affected with CNNM4-related conditions. Algorithms developed to predict the effect of missense changes on protein structure and function (SIFT, PolyPhen-2, Align-GVGD) all suggest that this variant is likely to be tolerated. In summary, the available evidence is currently insufficient to determine the role of this variant in disease. Therefore, it has been classified as a Variant of Uncertain Significance.

NM_020184.4(CNNM4):c.373C>G (p.Arg125Gly)

Gene: CNNM4 (cyclin and CBS domain divalent metal cation transport mediator 4; plus strand). Cytogenetic location: 2q11.2.
Variant type: single nucleotide variant.
Coding change: c.373C>G on transcript NM_020184.4 (MANE Select); coding-DNA position 373, C replaced by G.
Protein change: p.Arg125Gly; replaces arginine 125 with glycine.
Molecular consequence: missense variant.
Genome position (GRCh38, 1-based): chr2:96,761,372, C>G. VCF-style: chr2-96761372-C-G. GRCh37 (hg19) VCF-style: chr2-97427109-C-G.
Other names: short protein forms R125G.
Identifiers: ClinVar variation 1354583 (VCV001354583.6), dbSNP rs2153341479, ClinGen allele CA347713378.